The following is an entry in ClinVar:

NM_003482.4(KMT2D):c.13734C>G (p.Pro4578=)

Gene: KMT2D (lysine methyltransferase 2D; minus strand). Cytogenetic location: 12q13.12.
Variant type: single nucleotide variant.
Coding change: c.13734C>G on transcript NM_003482.4 (MANE Select); coding-DNA position 13734, C replaced by G.
Protein change: p.Pro4578=; no amino-acid change (proline 4578 retained).
Molecular consequence: synonymous variant.
Genome position (GRCh38, 1-based): chr12:49,030,706, G>C on the plus strand (C>G on the coding strand, the complement: KMT2D is on the minus strand). VCF-style: chr12-49030706-G-C. GRCh37 (hg19) VCF-style: chr12-49424489-G-C.
Identifiers: ClinVar variation 2743999 (VCV002743999.5), dbSNP rs765660993, ClinGen allele CA6545913.
Genomic context (GRCh38, chr12:49,030,706, plus strand): 5'-CCCACTTCCAAAGGCCCCCCTCAGCTGGCTCTGCCCATTGACTGGGCAGCCACTGCCAAA[G>C]GGGGCAAAGAGGCTAAAATTGGCGGTGATAGCAGGCTCCGTTAGGGGCAGCAGGGACAGC-3'
Protein context (NP_003473.3, residues 4568-4588): AITANFSLFA[Pro4578=]FGSGCPVNGQ

ClinVar aggregate classification (germline): Likely benign. Review status: criteria provided, multiple submitters, no conflicts (2 of 4 stars). 3 submissions from 3 submitters: Likely benign (3). Last evaluated 2025-07-15.

Conditions:
Kabuki syndrome. Also called: NIIKAWA-KUROKI SYNDROME; Kabuki make-up syndrome. Identifiers: Orphanet 2322, MedGen C0796004, MONDO:0016512.
KMT2D-related disorder. Also called: KMT2D-Related Disorders.

Allele frequency attached by ClinVar (database versions not stated): gnomAD exomes below 0.00001; TOPMed below 0.00001; ExAC 0.00003.

Submissions (3):

PreventionGenetics, part of Exact Sciences
Classification: Likely benign for KMT2D-related condition. Last evaluated: 2025-07-15. Review status: criteria provided, single submitter. Criteria: ACMG Guidelines, 2015. Collection method: clinical testing. Allele origin: germline.
Comment: This variant is classified as likely benign based on ACMG/AMP sequence variant interpretation guidelines (Richards et al. 2015 PMID: 25741868, with internal and published modifications).

Labcorp Genetics (formerly Invitae), Labcorp
Classification: Likely benign for Kabuki syndrome. Last evaluated: 2025-06-01. Review status: criteria provided, single submitter. Criteria: Invitae Variant Classification Sherloc (09022015). Collection method: clinical testing. Allele origin: germline.

Blueprint Genetics
Classification: Likely benign. Last evaluated: 2023-04-20. Review status: criteria provided, single submitter. Criteria: ACMG Guidelines, 2015. Collection method: clinical testing. Allele origin: germline.